The following is an entry in ClinVar:

ClinVar aggregate classification (germline): Likely pathogenic (1 of 4 stars; one submission).

Conditions:
Polycystic kidney disease, adult type (PKD1). Also called: POLYCYSTIC KIDNEY DISEASE, ADULT, TYPE I; Polycystic Kidney Disease 1, Autosomal Dominant; Polycystic kidney disease 1; Polycystic kidney disease 1, severe; Polycystic Kidney, Autosomal Dominant; POLYCYSTIC KIDNEY DISEASE 1 WITH OR WITHOUT POLYCYSTIC LIVER DISEASE. Identifiers: MedGen C3149841, MONDO:0008263, OMIM 173900.

Submission:

Juno Genomics, Hangzhou Juno Genomics, Inc
Classification: Likely pathogenic for Polycystic kidney disease, adult type. Review status: criteria provided, single submitter. Criteria: ACMG Guidelines, 2015. Collection method: clinical testing. Allele origin: germline. Affected: yes.
Comment: Absent from controls (or at extremely low frequency if recessive) in Genome Aggregation Database, Exome Sequencing Project, 1000 Genomes Project, or Exome Aggregation Consortium.;Null variant in a gene where loss of function (LOF) is a known mechanism of disease.

NM_001009944.3(PKD1):c.7088_7095dup (p.Val2366fs)

Gene: PKD1 (polycystin 1, transient receptor potential channel interacting; minus strand). Cytogenetic location: 16p13.3.
Variant type: Duplication.
Coding change: c.7088_7095dup on transcript NM_001009944.3 (MANE Select); coding-DNA positions 7088 to 7095, 8 bases duplicated (TGCCCATT; older notation c.7088_7095dupTGCCCATT).
Protein change: p.Val2366fs; shifts the reading frame from valine 2366.
Molecular consequence: frameshift variant.
Genome position (GRCh38, 1-based): chr16:2,106,919-2,106,926, AATGGGCA duplicated on the plus strand (TGCCCATT on the coding strand, the reverse complement: PKD1 is on the minus strand). VCF-style (leftmost placement, unchanged base first): chr16-2106918-C-CAATGGGCA. GRCh37 (hg19) VCF-style: chr16-2156919-C-CAATGGGCA.
Other names: c.7088_7095dup, p.Val2366fs (NM_000296.4); short protein forms V2366fs.
Identifiers: ClinVar variation 3382253 (VCV003382253.2).